The following is an entry in ClinVar:

NM_022124.6(CDH23):c.3663C>T (p.Thr1221=)

Genes: C10orf105 (chromosome 10 open reading frame 105; minus strand), CDH23 (cadherin related 23; plus strand). Cytogenetic location: 10q22.1.
Variant type: single nucleotide variant.
Coding change: c.3663C>T on transcript NM_022124.6 (MANE Select); coding-DNA position 3663, C replaced by T.
Protein change: p.Thr1221=; no amino-acid change (threonine 1221 retained).
Molecular consequence: synonymous variant. On other transcripts: intron variant (1).
Genome position (GRCh38, 1-based): chr10:71,730,552, C>T. VCF-style: chr10-71730552-C-T. GRCh37 (hg19) VCF-style: chr10-73490309-C-T.
Other names: c.3663C>T, p.Thr1221= (NM_001171930.2); c.-6+7176G>A (NM_001168390.2).
Identifiers: ClinVar variation 1126672 (VCV001126672.29), dbSNP rs777865713, ClinGen allele CA5544798.

ClinVar aggregate classification (germline): Likely benign. Review status: criteria provided, multiple submitters, no conflicts (2 of 4 stars). 3 submissions from 3 submitters: Likely benign (3). Last evaluated 2025-11-05.

Allele frequency attached by ClinVar (database versions not stated): gnomAD 0.00002 and 0.00001; ExAC 0.00002; TOPMed 0.00004; gnomAD exomes 0.00001.
gnomAD v4.1: 17 of 1,613,824 alleles (0.0011%); highest among the groups gnomAD compares: East Asian, 0.0089%; no homozygotes.

Submissions (3):

Labcorp Genetics (formerly Invitae), Labcorp
Classification: Likely benign. Last evaluated: 2025-11-05. Review status: criteria provided, single submitter. Criteria: Invitae Variant Classification Sherloc (09022015). Collection method: clinical testing. Allele origin: germline.

CeGaT Center for Human Genetics Tuebingen
Classification: Likely benign. Last evaluated: 2024-04-01. Review status: criteria provided, single submitter. Criteria: CeGaT Center For Human Genetics Tuebingen Variant Classification Criteria Version 2. Collection method: clinical testing. Allele origin: germline. Affected: yes. Observed: 1 variant allele.
Comment: CDH23: BP4, BP7

Blueprint Genetics
Classification: Likely benign. Last evaluated: 2023-04-12. Review status: criteria provided, single submitter. Criteria: ACMG Guidelines, 2015. Collection method: clinical testing. Allele origin: germline.